The following is an entry in ClinVar:

ClinVar aggregate classification (germline): Conflicting classifications of pathogenicity. Review status: criteria provided, conflicting classifications (1 of 4 stars). 3 submissions from 3 submitters: Uncertain significance (1); Likely benign (2). Last evaluated 2025-08-19.

Conditions:
FUS-related disorder. Also called: FUS-related condition.
Amyotrophic lateral sclerosis type 6. Also called: FUS-Related Amyotrophic Laterial Sclerosis; AMYOTROPHIC LATERAL SCLEROSIS 6 WITHOUT FRONTOTEMPORAL DEMENTIA; Amyotrophic lateral sclerosis 6, with or without frontotemporal dementia. Identifiers: Orphanet 275872, Orphanet 803, MedGen C2931786, MONDO:0011951, OMIM 608030.
Tremor, hereditary essential, 4 (ETM4). Identifiers: MedGen C3539195, MONDO:0013888, OMIM 614782.

Submissions (3):

Labcorp Genetics (formerly Invitae), Labcorp
Classification: Likely benign for Tremor, hereditary essential, 4; Amyotrophic lateral sclerosis type 6. Last evaluated: 2025-08-19. Review status: criteria provided, single submitter. Criteria: Invitae Variant Classification Sherloc (09022015). Collection method: clinical testing. Allele origin: germline.

PreventionGenetics, part of Exact Sciences
Classification: Uncertain significance for FUS-related condition. Last evaluated: 2022-12-16. Review status: criteria provided, single submitter. Criteria: ACMG Guidelines, 2015. Collection method: clinical testing. Allele origin: germline.
Comment: The FUS c.684_692del9 variant is predicted to result in an in-frame deletion (p.Gly229 Gly231del). This variant was reported in an individual with early-onset Alzheimer disease (Park et al. 2020. PubMed ID: 31217084). However, it is reported in 0.093% of alleles in individuals of East Asian descent in gnomAD, which may be too common to be a primary cause of disease. Although we suspect that this variant may be benign, at this time, the clinical significance of this variant is uncertain due to the absence of conclusive functional and genetic evidence.

GeneDx
Classification: Likely benign. Last evaluated: 2019-08-29. Review status: criteria provided, single submitter. Criteria: GeneDx Variant Classification Process June 2021. Collection method: clinical testing. Allele origin: germline. Affected: yes.
Comment: See Variant Classification Assertion Criteria.

NM_004960.4(FUS):c.684_692del (p.Gly229_Gly231del)

Gene: FUS (FUS RNA binding protein; plus strand). Cytogenetic location: 16p11.2.
Variant type: Deletion.
Coding change: c.684_692del on transcript NM_004960.4 (MANE Select); coding-DNA positions 684 to 692, 9 bases deleted (CGGTGGTGG; older notation c.684_692delCGGTGGTGG).
Protein change: p.Gly229_Gly231del.
Molecular consequence: inframe deletion. On other transcripts: non-coding transcript variant (1).
Genome position (GRCh38, 1-based): chr16:31,185,099-31,185,107, CGGTGGTGG deleted; deleting any 9 consecutive bases within chr16:31,185,097-31,185,107 gives the same sequence; the c. name uses the placement nearest the transcript's 3' end. VCF-style (leftmost placement, unchanged base first): chr16-31185096-CGGCGGTGGT-C. GRCh37 (hg19) VCF-style: chr16-31196417-CGGCGGTGGT-C.
Other names: c.684_692del9 (NM_004960.3); c.681_689del, p.Gly228_Gly230del (NM_001170634.1); c.672_680del, p.Gly225_Gly227del (NM_001170937.1).
Identifiers: ClinVar variation 1077589 (VCV001077589.11), dbSNP rs778398729, ClinGen allele CA8023757.
Genomic context (GRCh38, chr16:31,185,096, plus strand): 5'-CTATGGACAGCAGGACCGTGGAGGCCGCGGCAGGGGTGGCAGTGGTGGCGGCGGCGGCGG[CGGCGGTGGT>C]GGTTACAACCGCAGCAGTGGTGGCTATGAACCCAGAGGTCGTGGAGGTGGCCGTGGAGGC-3'